The following is an entry in ClinVar:

ClinVar aggregate classification (germline): Pathogenic/Likely pathogenic. Review status: criteria provided, multiple submitters, no conflicts (2 of 4 stars). 2 submissions from 2 submitters: Pathogenic (1); Likely pathogenic (1). Last evaluated 2024-07-30.

Conditions:
Lethal congenital contractural syndrome Finnish type.

Allele frequency attached by ClinVar (database versions not stated): gnomAD exomes below 0.00001.
gnomAD v4.1: 2 of 1,592,894 alleles (0.00013%); highest among the groups gnomAD compares: South Asian, 0.0022%; no homozygotes.

Submissions (2):

Natera, Inc.
Classification: Likely pathogenic for Lethal congenital contractural syndrome Finnish type. Last evaluated: 2024-07-30. Review status: criteria provided, single submitter. Criteria: Natera Variant Classification Schema (03/2026). Collection method: clinical testing. Allele origin: germline.
Comment: The c.112G>T variant in GLE1 is a nonsense variant predicted to introduce a stop codon at amino acid 38. This variant is expected to result in nonsense mediated decay, truncation, or a dysfunctional protein product. This variant is rare in the general population with a frequency below the threshold expected for the associated phenotype(s). Given the available evidence, this variant is classified as Likely Pathogenic.

Labcorp Genetics (formerly Invitae), Labcorp
Classification: Pathogenic. Last evaluated: 2024-02-06. Review status: criteria provided, single submitter. Criteria: Invitae Variant Classification Sherloc (09022015). Collection method: clinical testing. Allele origin: germline.
Comment: This sequence change creates a premature translational stop signal (p.Glu38*) in the GLE1 gene. It is expected to result in an absent or disrupted protein product. Loss-of-function variants in GLE1 are known to be pathogenic (PMID: 18204449, 24243016, 27684565). This variant is not present in population databases (gnomAD no frequency). This variant has not been reported in the literature in individuals affected with GLE1-related conditions. ClinVar contains an entry for this variant (Variation ID: 1997659). Algorithms developed to predict the effect of sequence changes on RNA splicing suggest that this variant may disrupt the consensus splice site. For these reasons, this variant has been classified as Pathogenic.

Literature cited by the submitters: PubMed 18204449 (cited by Labcorp Genetics (formerly Invitae), Labcorp); PubMed 24243016 (cited by Labcorp Genetics (formerly Invitae), Labcorp); PubMed 27684565 (cited by Labcorp Genetics (formerly Invitae), Labcorp).

NM_001003722.2(GLE1):c.112G>T (p.Glu38Ter)

Gene: GLE1 (GLE1 RNA export mediator; plus strand). Cytogenetic location: 9q34.11.
Variant type: single nucleotide variant.
Coding change: c.112G>T on transcript NM_001003722.2 (MANE Select); coding-DNA position 112, G replaced by T.
Protein change: p.Glu38Ter; replaces glutamic acid 38 with a stop codon.
Molecular consequence: nonsense.
Genome position (GRCh38, 1-based): chr9:128,508,888, G>T. VCF-style: chr9-128508888-G-T. GRCh37 (hg19) VCF-style: chr9-131271167-G-T.
Other names: c.112G>T, p.Glu38Ter (NM_001411013.1, NM_001499.2); short protein forms E38*.
Identifiers: ClinVar variation 1997659 (VCV001997659.5), dbSNP rs2540556962, ClinGen allele CA375056182.
Genomic context (GRCh38, chr9:128,508,888, plus strand): 5'-GAGAACAGTTGACGTGTAAGTTGAGCTTAACCCTATTCTTTTCTCTAGGATGTTTTAGAA[G>T]AATGTATGTCTCTTCCCAAGCTATCTTCTTATTCTGGATGGGTGGTAGAGCACGTCCTAC-3'